The following is an entry in ClinVar:

ClinVar aggregate classification (germline): Benign (0 of 4 stars; one submission).

Conditions:
BMPR1B-related disorder. Also called: BMPR1B-related condition.

Allele frequency attached by ClinVar (database versions not stated): gnomAD exomes 0.00045; gnomAD 0.00046; TOPMed 0.00057; ExAC 0.00326.
gnomAD v4.1: 722 of 1,535,476 alleles (0.047%); highest among the groups gnomAD compares: Middle Eastern, 0.017%; 5 homozygotes.

Submission:

PreventionGenetics, part of Exact Sciences
Classification: Benign for BMPR1B-related condition. Last evaluated: 2019-07-29. Review status: no assertion criteria provided. Collection method: clinical testing. Allele origin: germline.
Comment: This variant is classified as benign based on ACMG/AMP sequence variant interpretation guidelines (Richards et al. 2015 PMID: 25741868, with internal and published modifications).

NM_001203.3(BMPR1B):c.-17-52674A>G

Gene: BMPR1B (bone morphogenetic protein receptor type 1B; plus strand). Cytogenetic location: 4q22.3.
Variant type: single nucleotide variant.
Coding change: c.-17-52674A>G on transcript NM_001203.3 (MANE Select); 52674 bases into the intron before 17 bases upstream of the start codon, A replaced by G.
Molecular consequence: intron variant. On other transcripts: missense variant (1).
Genome position (GRCh38, 1-based): chr4:95,051,734, A>G. VCF-style: chr4-95051734-A-G. GRCh37 (hg19) VCF-style: chr4-95972885-A-G.
Other names: c.35A>G, p.His12Arg (NM_001256793.2); c.-17-52674A>G (NM_001256792.2); short protein forms H12R.
Identifiers: ClinVar variation 3035814 (VCV003035814.2), dbSNP rs772207151, ClinGen allele CA3014843.
Genomic context (GRCh38, chr4:95,051,734, plus strand): 5'-GGCACATTGACTGCTCTGCTGCTGCAATGGGTTGGCTGGAAGAACTAAACTGGCAGCTTC[A>G]CATTTTCTTGCTCATTCTTCTCTCTATGCACACAAGGGGTAAGAAGATCAGTGCCCTCCA-3'